The following is an entry in ClinVar:

ClinVar aggregate classification (germline): Uncertain significance (1 of 4 stars; one submission).

Submission:

Ambry Genetics
Classification: Uncertain significance. Last evaluated: 2025-09-10. Review status: criteria provided, single submitter. Criteria: Ambry Variant Classification Scheme 2023. Collection method: clinical testing. Allele origin: germline.
Comment: The p.E520K variant (also known as c.1558G>A), located in coding exon 13 of the GEN1 gene, results from a G to A substitution at nucleotide position 1558. The glutamic acid at codon 520 is replaced by lysine, an amino acid with similar properties. This amino acid position is conserved. In addition, this alteration is predicted to be tolerated by in silico analysis. Based on the available evidence, the clinical significance of this variant remains unclear.

NM_001130009.3(GEN1):c.1558G>A (p.Glu520Lys)

Gene: GEN1 (GEN1 Holliday junction 5' flap endonuclease; plus strand). Cytogenetic location: 2p24.2.
Variant type: single nucleotide variant.
Coding change: c.1558G>A on transcript NM_001130009.3 (MANE Select); coding-DNA position 1558, G replaced by A.
Protein change: p.Glu520Lys; replaces glutamic acid 520 with lysine.
Molecular consequence: missense variant.
Genome position (GRCh38, 1-based): chr2:17,780,770, G>A. VCF-style: chr2-17780770-G-A. GRCh37 (hg19) VCF-style: chr2-17962037-G-A.
Other names: c.1558G>A, p.Glu520Lys (NM_182625.5); short protein forms E520K.
Identifiers: ClinVar variation 4263132 (VCV004263132.1).